The following is an entry in ClinVar:

ClinVar aggregate classification (germline): Uncertain significance (1 of 4 stars; one submission).

Conditions:
Charcot-Marie-Tooth disease type 4. Also called: Charcot-Marie-Tooth disease, type IV; Charcot-Marie-Tooth, Type 4. Identifiers: Orphanet 64749, MedGen C4082197, MONDO:0018995.

Allele frequency attached by ClinVar (database versions not stated): gnomAD exomes below 0.00001; ExAC 0.00001; gnomAD 0.00001; TOPMed 0.00002.
gnomAD v4.1: 17 of 1,614,008 alleles (0.0011%); highest among the groups gnomAD compares: Admixed American, 0.0033%; no homozygotes.

Submission:

Labcorp Genetics (formerly Invitae), Labcorp
Classification: Uncertain significance for Charcot-Marie-Tooth disease type 4. Last evaluated: 2023-08-17. Review status: criteria provided, single submitter. Criteria: Invitae Variant Classification Sherloc (09022015). Collection method: clinical testing. Allele origin: germline.
Comment: This sequence change replaces glutamic acid, which is acidic and polar, with alanine, which is neutral and non-polar, at codon 1039 of the SH3TC2 protein (p.Glu1039Ala). This variant is not present in population databases (gnomAD no frequency). This variant has not been reported in the literature in individuals affected with SH3TC2-related conditions. ClinVar contains an entry for this variant (Variation ID: 1056593). Advanced modeling of protein sequence and biophysical properties (such as structural, functional, and spatial information, amino acid conservation, physicochemical variation, residue mobility, and thermodynamic stability) performed at Invitae indicates that this missense variant is not expected to disrupt SH3TC2 protein function. In summary, the available evidence is currently insufficient to determine the role of this variant in disease. Therefore, it has been classified as a Variant of Uncertain Significance.

NM_024577.4(SH3TC2):c.3116A>C (p.Glu1039Ala)

Gene: SH3TC2 (SH3 domain and tetratricopeptide repeats 2; minus strand). Cytogenetic location: 5q32.
Variant type: single nucleotide variant.
Coding change: c.3116A>C on transcript NM_024577.4 (MANE Select); coding-DNA position 3116, A replaced by C.
Protein change: p.Glu1039Ala; replaces glutamic acid 1039 with alanine.
Molecular consequence: missense variant.
Genome position (GRCh38, 1-based): chr5:149,012,672, T>G on the plus strand (A>C on the coding strand, the complement: SH3TC2 is on the minus strand). VCF-style: chr5-149012672-T-G. GRCh37 (hg19) VCF-style: chr5-148392235-T-G.
Other names: short protein forms E1039A.
Identifiers: ClinVar variation 1056593 (VCV001056593.5), dbSNP rs777209545, ClinGen allele CA3498851.